The following is an entry in ClinVar:

ClinVar aggregate classification (germline): Uncertain significance (0 of 4 stars; one submission).

Conditions:
PHIP-related disorder. Also called: PHIP-related condition; PHIP-related disorders.

Submission:

PreventionGenetics, part of Exact Sciences
Classification: Uncertain significance for PHIP-related condition. Last evaluated: 2024-01-19. Review status: no assertion criteria provided. Collection method: clinical testing. Allele origin: germline.
Comment: The PHIP c.142C>T variant is predicted to result in the amino acid substitution p.Arg48Cys. To our knowledge, this variant has not been reported in the literature or in a large population database, indicating this variant is rare. At this time, the clinical significance of this variant is uncertain due to the absence of conclusive functional and genetic evidence.

NM_017934.7(PHIP):c.142C>T (p.Arg48Cys)

Gene: PHIP (PHIP subunit of CUL4-Ring ligase complex; minus strand). Cytogenetic location: 6q14.1.
Variant type: single nucleotide variant.
Coding change: c.142C>T on transcript NM_017934.7 (MANE Select); coding-DNA position 142, C replaced by T.
Protein change: p.Arg48Cys; replaces arginine 48 with cysteine.
Molecular consequence: missense variant.
Genome position (GRCh38, 1-based): chr6:79,077,495, G>A on the plus strand (C>T on the coding strand, the complement: PHIP is on the minus strand). VCF-style: chr6-79077495-G-A. GRCh37 (hg19) VCF-style: chr6-79787212-G-A.
Other names: short protein forms R48C.
Identifiers: ClinVar variation 3349466 (VCV003349466.1).
Genomic context (GRCh38, chr6:79,077,495, plus strand): 5'-GTGAATGTCTCACCAGATTCTGGTAGGTCCTGGGATGCTCCTTCCCGGTCCAGTCGGTGC[G>A]CCGGGGCAGCAGCTGCGGGGAGAGGACACCCCGTGAGCCCGGCCCCCGGCCCCTACCCGC-3'
Protein context (NP_060404.4, residues 38-58): EVAEKELLPR[Arg48Cys]TDWTGKEHPR